The following is an entry in ClinVar:

ClinVar aggregate classification (germline): Pathogenic (1 of 4 stars; one submission).

Conditions:
Rubinstein-Taybi syndrome due to EP300 haploinsufficiency. Also called: EP300-Related Rubinstein-Taybi Syndrome; RUBINSTEIN-TAYBI SYNDROME 2. Identifiers: Orphanet 353284, Orphanet 783, MedGen C3150941, MONDO:0013364, OMIM 613684.

Submission:

Labcorp Genetics (formerly Invitae), Labcorp
Classification: Pathogenic for Rubinstein-Taybi syndrome due to EP300 haploinsufficiency. Last evaluated: 2026-01-05. Review status: criteria provided, single submitter. Criteria: Invitae Variant Classification Sherloc (09022015). Collection method: clinical testing. Allele origin: germline.
Comment: This sequence change creates a premature translational stop signal (p.Asn1532Thrfs*9) in the EP300 gene. It is expected to result in an absent or disrupted protein product. Loss-of-function variants in EP300 are known to be pathogenic (PMID: 15706485, 24476420). This variant is not present in population databases (gnomAD no frequency). This variant has not been reported in the literature in individuals affected with EP300-related conditions. ClinVar contains an entry for this variant (Variation ID: 2013506). For these reasons, this variant has been classified as Pathogenic.

Literature cited by the submitters: PubMed 15706485; PubMed 24476420.

NM_001429.4(EP300):c.4595del (p.Asn1532fs)

Gene: EP300 (EP300 lysine acetyltransferase; plus strand). Cytogenetic location: 22q13.2.
Variant type: Deletion.
Coding change: c.4595del on transcript NM_001429.4 (MANE Select); coding-DNA position 4595, one base deleted (A; older notation c.4595delA).
Protein change: p.Asn1532fs; shifts the reading frame from asparagine 1532.
Molecular consequence: frameshift variant.
Genome position (GRCh38, 1-based): chr22:41,172,641, A deleted; the last of 4 consecutive A bases (chr22:41,172,638-41,172,641); deleting any one gives the same sequence. VCF-style (leftmost placement, unchanged base first): chr22-41172637-GA-G. GRCh37 (hg19) VCF-style: chr22-41568641-GA-G.
Other names: c.4517del, p.Asn1506fs (NM_001362843.2); short protein forms N1532fs, N1506fs.
Identifiers: ClinVar variation 2013506 (VCV002013506.4), dbSNP rs2517826930, ClinGen allele CA2580099825.
Genomic context (GRCh38, chr22:41,172,637, plus strand): 5'-AATGTTCTGGAAGAAAGCATTAAGGAACTGGAACAGGAGGAAGAAGAGAGAAAACGAGAG[GA>G]AAACACCAGCAATGAAAGCACAGATGTAAGGGCATTGAGTTTCCTTTGAAACTTCTATCA-3'